The following is an entry in ClinVar:

ClinVar aggregate classification (germline): Uncertain significance (1 of 4 stars; one submission).

Conditions:
MOGS-congenital disorder of glycosylation. Also called: CDG 2B; MOGS-CDG; CDG IIb; GLUCOSIDASE I DEFICIENCY. Identifiers: Orphanet 79330, MedGen C1853736, MONDO:0011629, OMIM 606056.

Allele frequency attached by ClinVar (database versions not stated): gnomAD exomes below 0.00001; ExAC 0.00001; TOPMed 0.00001.
gnomAD v4.1: 5 of 1,614,218 alleles (0.00031%); highest among the groups gnomAD compares: Non-Finnish European, 0.00042%; no homozygotes.

Submission:

Labcorp Genetics (formerly Invitae), Labcorp
Classification: Uncertain significance for MOGS-congenital disorder of glycosylation. Last evaluated: 2024-04-15. Review status: criteria provided, single submitter. Criteria: Invitae Variant Classification Sherloc (09022015). Collection method: clinical testing. Allele origin: germline.
Comment: This sequence change replaces aspartic acid, which is acidic and polar, with histidine, which is basic and polar, at codon 599 of the MOGS protein (p.Asp599His). This variant is present in population databases (rs776436967, gnomAD 0.0009%). This variant has not been reported in the literature in individuals affected with MOGS-related conditions. ClinVar contains an entry for this variant (Variation ID: 2420912). Advanced modeling of protein sequence and biophysical properties (such as structural, functional, and spatial information, amino acid conservation, physicochemical variation, residue mobility, and thermodynamic stability) performed at Invitae indicates that this missense variant is expected to disrupt MOGS protein function with a positive predictive value of 80%. In summary, the available evidence is currently insufficient to determine the role of this variant in disease. Therefore, it has been classified as a Variant of Uncertain Significance.

NM_006302.3(MOGS):c.1795G>C (p.Asp599His)

Gene: MOGS (mannosyl-oligosaccharide glucosidase; minus strand). Cytogenetic location: 2p13.1.
Variant type: single nucleotide variant.
Coding change: c.1795G>C on transcript NM_006302.3 (MANE Select); coding-DNA position 1795, G replaced by C.
Protein change: p.Asp599His; replaces aspartic acid 599 with histidine.
Molecular consequence: missense variant.
Genome position (GRCh38, 1-based): chr2:74,461,994, C>G on the plus strand (G>C on the coding strand, the complement: MOGS is on the minus strand). VCF-style: chr2-74461994-C-G. GRCh37 (hg19) VCF-style: chr2-74689121-C-G.
Other names: c.1477G>C, p.Asp493His (NM_001146158.2); short protein forms D493H, D599H.
Identifiers: ClinVar variation 2420912 (VCV002420912.5), dbSNP rs776436967, ClinGen allele CA1724716.